The following is an entry in ClinVar:

NM_004863.4(SPTLC2):c.1614G>A (p.Lys538=)

Gene: SPTLC2 (serine palmitoyltransferase long chain base subunit 2; minus strand). Cytogenetic location: 14q24.3.
Variant type: single nucleotide variant.
Coding change: c.1614G>A on transcript NM_004863.4 (MANE Select); coding-DNA position 1614, G replaced by A.
Protein change: p.Lys538=; no amino-acid change (lysine 538 retained).
Molecular consequence: synonymous variant.
Genome position (GRCh38, 1-based): chr14:77,512,359, C>T on the plus strand (G>A on the coding strand, the complement: SPTLC2 is on the minus strand). VCF-style: chr14-77512359-C-T. GRCh37 (hg19) VCF-style: chr14-77978702-C-T.
Identifiers: ClinVar variation 380350 (VCV000380350.19), dbSNP rs143770506, ClinGen allele CA7289116.

ClinVar aggregate classification (germline): Benign/Likely benign. Review status: criteria provided, multiple submitters, no conflicts (2 of 4 stars). 4 submissions from 4 submitters: Benign (1); Likely benign (2). 1 of the submissions does not count toward it. Last evaluated 2025-10-13.

Conditions:
SPTLC2-related disorder. Also called: SPTLC2-related condition.
Neuropathy, hereditary sensory and autonomic, type 1C. Also called: HSAN IC; HSN IC. Identifiers: Orphanet 36386, MedGen C3150896, MONDO:0013337, OMIM 613640.
Inborn genetic diseases. Identifiers: MedGen C0950123, MeSH D030342.

Allele frequency attached by ClinVar (database versions not stated): gnomAD exomes 0.00004 and 0.00014; ExAC 0.00023; ESP Exome Variant Server 0.00046; gnomAD 0.00066 and 0.00070; TOPMed 0.00072; 1000 Genomes Project 0.00080; 1000 Genomes Project 30x 0.00109.
gnomAD v4.1: 162 of 1,614,232 alleles (0.01%); highest among the groups gnomAD compares: African/African-American, 0.2%; no homozygotes.

Submissions (4):

Labcorp Genetics (formerly Invitae), Labcorp
Classification: Benign for Neuropathy, hereditary sensory and autonomic, type 1C. Last evaluated: 2025-10-13. Review status: criteria provided, single submitter. Criteria: Invitae Variant Classification Sherloc (09022015). Collection method: clinical testing. Allele origin: germline.

GeneDx
Classification: Likely benign. Last evaluated: 2019-09-03. Review status: criteria provided, single submitter. Criteria: GeneDx Variant Classification Process June 2021. Collection method: clinical testing. Allele origin: germline. Affected: yes.

Ambry Genetics
Classification: Likely benign for Inborn genetic diseases. Last evaluated: 2019-07-11. Review status: criteria provided, single submitter. Criteria: Ambry Variant Classification Scheme 2023. Collection method: clinical testing. Allele origin: germline.

PreventionGenetics, part of Exact Sciences
Classification: Likely benign for SPTLC2-related condition. Last evaluated: 2019-04-25. Review status: no assertion criteria provided. Collection method: clinical testing. Allele origin: germline. Not counted in ClinVar's aggregate classification.
Comment: This variant is classified as likely benign based on ACMG/AMP sequence variant interpretation guidelines (Richards et al. 2015 PMID: 25741868, with internal and published modifications).